The following is an entry in ClinVar:

ClinVar aggregate classification (germline): Likely pathogenic (1 of 4 stars; one submission).

Submission:

Genetic Services Laboratory, University of Chicago
Classification: Likely pathogenic. Last evaluated: 2020-10-13. Review status: criteria provided, single submitter. Criteria: ACMG Guidelines, 2015. Collection method: clinical testing. Allele origin: germline. Affected: yes.
Comment: DNA sequence analysis of the GATA2 gene demonstrated a one base pair insertion in exon 4, c.995_996insG. This sequence change results in an amino acid frameshift and creates a premature stop codon 51 amino acids downstream of the change, p.Ile333Hisfs*51. This sequence change is predicted to result in an abnormal transcript, which may be degraded, or may lead to the production of a truncated GATA2 protein with potentially abnormal function. This sequence change is absent in the gnomAD population database. While this variant has not previously been described in the literature, other truncating variants downstream of this variant have been reported in patients with MDS (PMID: 26702063). Collectively these evidences indicate that, the p.Ile333Hisfs*51 variant is likely pathogenic.

NM_032638.5(GATA2):c.995_996insG (p.Ile333fs)

Gene: GATA2 (GATA binding protein 2; minus strand). Cytogenetic location: 3q21.3.
Variant type: Insertion.
Coding change: c.995_996insG on transcript NM_032638.5 (MANE Select); coding-DNA positions 995 to 996, G inserted.
Protein change: p.Ile333fs; shifts the reading frame from isoleucine 333.
Molecular consequence: frameshift variant.
Genome position: GRCh38 VCF-style: chr3-128483881-G-GC. GRCh37 (hg19) VCF-style: chr3-128202724-G-GC.
Other names: c.995_996insG, p.Ile333fs (NM_001145661.2, NM_001145662.1); short protein forms I333fs.
Identifiers: ClinVar variation 1338610 (VCV001338610.4), dbSNP rs2107670326, ClinGen allele CA2573052069.